The following is an entry in ClinVar:

ClinVar aggregate classification (germline): Conflicting classifications of pathogenicity. Review status: criteria provided, conflicting classifications (1 of 4 stars). 5 submissions from 5 submitters: Uncertain significance (3); Likely benign (1). 1 of the submissions does not count toward it. Last evaluated 2025-09-21.

Conditions:
COL6A1-related disorder. Also called: COL6A1-related condition.
Bethlem myopathy 1A. Also called: MYOPATHY, BENIGN CONGENITAL, WITH CONTRACTURES; Bethlem Muscular Dystrophy; Bethlem myopathy 1. Identifiers: Orphanet 610, MedGen CN029274, MONDO:0024530, OMIM 158810.

Allele frequency attached by ClinVar (database versions not stated): ExAC 0.00021; ESP Exome Variant Server 0.00046; 1000 Genomes Project 0.00060; 1000 Genomes Project 30x 0.00062; gnomAD 0.00069 and 0.00076; TOPMed 0.00075; gnomAD exomes 0.00007 and 0.00014.
gnomAD v4.1: 211 of 1,602,100 alleles (0.013%); highest among the groups gnomAD compares: African/African-American, 0.25%; 1 homozygote.

Submissions (5):

Labcorp Genetics (formerly Invitae), Labcorp
Classification: Likely benign for Bethlem myopathy 1A. Last evaluated: 2025-09-21. Review status: criteria provided, single submitter. Criteria: Invitae Variant Classification Sherloc (09022015). Collection method: clinical testing. Allele origin: germline.

Revvity Omics, Revvity
Classification: Uncertain significance. Last evaluated: 2023-11-09. Review status: criteria provided, single submitter. Criteria: ACMG Guidelines, 2015. Collection method: clinical testing. Allele origin: germline.

Eurofins Ntd Llc (ga)
Classification: Uncertain significance. Last evaluated: 2017-10-26. Review status: criteria provided, single submitter. Criteria: EGL Classification Definitions 2015. Collection method: clinical testing. Allele origin: germline. Observed: 2 variant alleles, 2 heterozygotes.

GeneDx
Classification: Uncertain significance. Last evaluated: 2016-12-02. Review status: criteria provided, single submitter. Criteria: GeneDx Variant Classification (06012015). Collection method: clinical testing. Allele origin: germline. Affected: yes.
Comment: The K990Q variant in the COL6A1 gene has not been reported previously as a pathogenic variant, nor as a benign variant, to our knowledge. The K990Q variant was not observed at any significant frequency in approximately 6500 individuals of European and African American ancestry in the NHLBI Exome Sequencing Project, indicating it is not a common benign variant in these populations. The K990Q variant is a semi-conservative amino acid substitution, which may impact secondary protein structure as these residues differ in some properties. This substitution occurs at a position that is conserved in mammals. In silico analysis is inconsistent in its predictions as to whether or not the variant is damaging to the protein structure/function. We interpret K990Q as a variant of uncertain significance.

PreventionGenetics, part of Exact Sciences
Classification: Likely benign for COL6A1-related condition. Last evaluated: 2022-06-27. Review status: no assertion criteria provided. Collection method: clinical testing. Allele origin: germline. Not counted in ClinVar's aggregate classification.
Comment: This variant is classified as likely benign based on ACMG/AMP sequence variant interpretation guidelines (Richards et al. 2015 PMID: 25741868, with internal and published modifications).

NM_001848.3(COL6A1):c.2968A>C (p.Lys990Gln)

Gene: COL6A1 (collagen type VI alpha 1 chain; plus strand). Cytogenetic location: 21q22.3.
Variant type: single nucleotide variant.
Coding change: c.2968A>C on transcript NM_001848.3 (MANE Select); coding-DNA position 2968, A replaced by C.
Protein change: p.Lys990Gln; replaces lysine 990 with glutamine.
Molecular consequence: missense variant.
Genome position (GRCh38, 1-based): chr21:46,003,894, A>C. VCF-style: chr21-46003894-A-C. GRCh37 (hg19) VCF-style: chr21-47423808-A-C.
Other names: short protein forms K990Q.
Identifiers: ClinVar variation 373479 (VCV000373479.25), dbSNP rs141663473, ClinGen allele CA10071090.